The following is an entry in ClinVar:

ClinVar aggregate classification (germline): Likely benign. Review status: criteria provided, single submitter (1 of 4 stars). 2 submissions from 2 submitters: Likely benign (1). 1 of the submissions does not count toward it. Last evaluated 2023-11-02.

Conditions:
VPS13C-related disorder. Also called: VPS13C-related condition.

Allele frequency attached by ClinVar (database versions not stated): ExAC 0.00007; gnomAD 0.00002; gnomAD exomes 0.00004 and 0.00009; TOPMed 0.00005.
gnomAD v4.1: 27 of 1,611,344 alleles (0.0017%); highest among the groups gnomAD compares: Admixed American, 0.045%; no homozygotes.

Submissions (2):

Labcorp Genetics (formerly Invitae), Labcorp
Classification: Likely benign. Last evaluated: 2023-11-02. Review status: criteria provided, single submitter. Criteria: Invitae Variant Classification Sherloc (09022015). Collection method: clinical testing. Allele origin: germline.

PreventionGenetics, part of Exact Sciences
Classification: Likely benign for VPS13C-related condition. Last evaluated: 2019-10-28. Review status: no assertion criteria provided. Collection method: clinical testing. Allele origin: germline. Not counted in ClinVar's aggregate classification.
Comment: This variant is classified as likely benign based on ACMG/AMP sequence variant interpretation guidelines (Richards et al. 2015 PMID: 25741868, with internal and published modifications).

NM_020821.3(VPS13C):c.1368G>A (p.Gly456=)

Gene: VPS13C (vacuolar protein sorting 13 homolog C; minus strand). Cytogenetic location: 15q22.2.
Variant type: single nucleotide variant.
Coding change: c.1368G>A on transcript NM_020821.3 (MANE Select); coding-DNA position 1368, G replaced by A.
Protein change: p.Gly456=; no amino-acid change (glycine 456 retained).
Molecular consequence: synonymous variant.
Genome position (GRCh38, 1-based): chr15:61,991,788, C>T on the plus strand (G>A on the coding strand, the complement: VPS13C is on the minus strand). VCF-style: chr15-61991788-C-T. GRCh37 (hg19) VCF-style: chr15-62283987-C-T.
Other names: c.1368G>A, p.Gly456= (NM_001018088.3); c.1239G>A, p.Gly413= (NM_017684.5, NM_018080.4).
Identifiers: ClinVar variation 742310 (VCV000742310.8), dbSNP rs781484405, ClinGen allele CA7597063.